The following is an entry in ClinVar:

ClinVar aggregate classification (germline): Uncertain significance. Review status: criteria provided, multiple submitters, no conflicts (2 of 4 stars). 3 submissions from 3 submitters: Uncertain significance (3). Last evaluated 2022-07-27.

Conditions:
Neuropathy, hereditary sensory and autonomic, type 2A (HSAN2A). Also called: ACROOSTEOLYSIS, GIACCAI TYPE; ACROOSTEOLYSIS, NEUROGENIC; MORVAN DISEASE; NEUROPATHY, CONGENITAL SENSORY; NEUROPATHY, HEREDITARY SENSORY RADICULAR, AUTOSOMAL RECESSIVE; NEUROPATHY, HEREDITARY SENSORY, TYPE IIA. Identifiers: Orphanet 970, MedGen C2752089, MONDO:0024309, OMIM 201300.
Neuropathy, hereditary sensory and autonomic, type 2B (HSAN2B). Also called: RETREG1-Related HSAN2 (HSAN2B). Identifiers: Orphanet 970, MedGen C2751092, MONDO:0013142, OMIM 613115.
Inborn genetic diseases. Identifiers: MedGen C0950123, MeSH D030342.

Allele frequency attached by ClinVar (database versions not stated): gnomAD 0.00001; gnomAD exomes 0.00001 and 0.00004; TOPMed 0.00001; ExAC 0.00006.
gnomAD v4.1: 24 of 1,613,128 alleles (0.0015%); highest among the groups gnomAD compares: Non-Finnish European, 0.00017%; no homozygotes.

Submissions (3):

Labcorp Genetics (formerly Invitae), Labcorp
Classification: Uncertain significance. Last evaluated: 2022-07-27. Review status: criteria provided, single submitter. Criteria: Invitae Variant Classification Sherloc (09022015). Collection method: clinical testing. Allele origin: germline.
Comment: This sequence change replaces cysteine, which is neutral and slightly polar, with serine, which is neutral and polar, at codon 170 of the RETREG1 protein (p.Cys170Ser). This variant is present in population databases (rs779070741, gnomAD 0.09%). This variant has not been reported in the literature in individuals affected with RETREG1-related conditions. ClinVar contains an entry for this variant (Variation ID: 538120). Algorithms developed to predict the effect of missense changes on protein structure and function are either unavailable or do not agree on the potential impact of this missense change (SIFT: "Tolerated"; PolyPhen-2: "Probably Damaging"; Align-GVGD: "Class C0"). In summary, the available evidence is currently insufficient to determine the role of this variant in disease. Therefore, it has been classified as a Variant of Uncertain Significance.

Ambry Genetics
Classification: Uncertain significance for Inborn genetic diseases. Last evaluated: 2022-07-08. Review status: criteria provided, single submitter. Criteria: Ambry Variant Classification Scheme 2023. Collection method: clinical testing. Allele origin: germline.
Comment: The p.C170S variant (also known as c.509G>C), located in coding exon 4 of the FAM134B gene, results from a G to C substitution at nucleotide position 509. The cysteine at codon 170 is replaced by serine, an amino acid with dissimilar properties. This amino acid position is not well conserved in available vertebrate species. In addition, this alteration is predicted to be tolerated by in silico analysis. Since supporting evidence is limited at this time, the clinical significance of this alteration remains unclear.

Department of Pathology and Laboratory Medicine, Sinai Health System
Classification: Uncertain significance for Neuropathy, hereditary sensory and autonomic, type 2B; Neuropathy, hereditary sensory and autonomic, type 2A. Last evaluated: 2022-06-12. Review status: criteria provided, single submitter. Criteria: ACMG Guidelines, 2015. Collection method: research. Allele origin: germline.

NM_001034850.3(RETREG1):c.509G>C (p.Cys170Ser)

Gene: RETREG1 (reticulophagy regulator 1; minus strand). Cytogenetic location: 5p15.1.
Variant type: single nucleotide variant.
Coding change: c.509G>C on transcript NM_001034850.3 (MANE Select); coding-DNA position 509, G replaced by C.
Protein change: p.Cys170Ser; replaces cysteine 170 with serine.
Molecular consequence: missense variant.
Genome position (GRCh38, 1-based): chr5:16,483,422, C>G on the plus strand (G>C on the coding strand, the complement: RETREG1 is on the minus strand). VCF-style: chr5-16483422-C-G. GRCh37 (hg19) VCF-style: chr5-16483531-C-G.
Other names: c.86G>C, p.Cys29Ser (NM_019000.5); short protein forms C170S, C29S.
Identifiers: ClinVar variation 538120 (VCV000538120.10), dbSNP rs779070741, ClinGen allele CA3210424.